The following is an entry in ClinVar:

NM_001849.4(COL6A2):c.1869C>T (p.Ser623=)

Gene: COL6A2 (collagen type VI alpha 2 chain; plus strand). Cytogenetic location: 21q22.3.
Variant type: single nucleotide variant.
Coding change: c.1869C>T on transcript NM_001849.4 (MANE Select); coding-DNA position 1869, C replaced by T.
Protein change: p.Ser623=; no amino-acid change (serine 623 retained).
Molecular consequence: synonymous variant.
Genome position (GRCh38, 1-based): chr21:46,125,517, C>T. VCF-style: chr21-46125517-C-T. GRCh37 (hg19) VCF-style: chr21-47545431-C-T.
Other names: c.1869C>T, p.Ser623= (NM_058174.3, NM_058175.3); c.1869C>T (NM_001849.3).
Identifiers: ClinVar variation 498947 (VCV000498947.15), dbSNP rs760704425, ClinGen allele CA10072316.
Genomic context (GRCh38, chr21:46,125,517, plus strand): 5'-CCCCCCAGACTGTGAGAAGCGCTGTGGCGCCCTGGACGTGGTCTTCGTCATCGACAGCTC[C>T]GAGAGCATTGGGTACACCAACTTCACACTGGAGAAGAACTTCGTCATCAACGTGGTCAAC-3'
Protein context (NP_001840.3, residues 613-633): ALDVVFVIDS[Ser623=]ESIGYTNFTL

ClinVar aggregate classification (germline): Conflicting classifications of pathogenicity. Review status: criteria provided, conflicting classifications (1 of 4 stars). 3 submissions from 3 submitters: Uncertain significance (1); Likely benign (1). 1 of the submissions does not count toward it. Last evaluated 2026-01-25.

Conditions:
COL6A2-related disorder.
Bethlem myopathy 1A. Also called: Bethlem myopathy 1; MYOPATHY, BENIGN CONGENITAL, WITH CONTRACTURES; Bethlem Muscular Dystrophy. Identifiers: Orphanet 610, MedGen CN029274, MONDO:0024530, OMIM 158810.

Allele frequency attached by ClinVar (database versions not stated): ExAC 0.00003; gnomAD exomes 0.00003 and 0.00006; gnomAD 0.00004 and 0.00005; TOPMed 0.00006.
gnomAD v4.1: 91 of 1,612,860 alleles (0.0056%); highest among the groups gnomAD compares: African/African-American, 0.008%; 1 homozygote.

Submissions (3):

Labcorp Genetics (formerly Invitae), Labcorp
Classification: Likely benign for Bethlem myopathy 1A. Last evaluated: 2026-01-25. Review status: criteria provided, single submitter. Criteria: Invitae Variant Classification Sherloc (09022015). Collection method: clinical testing. Allele origin: germline.

Eurofins Ntd Llc (ga)
Classification: Uncertain significance. Last evaluated: 2016-12-06. Review status: criteria provided, single submitter. Criteria: EGL Classification Definitions 2015. Collection method: clinical testing. Allele origin: germline. Observed: 1 variant allele, 1 heterozygote.

PreventionGenetics, part of Exact Sciences
Classification: Likely benign for COL6A2-related condition. Last evaluated: 2019-09-09. Review status: no assertion criteria provided. Collection method: clinical testing. Allele origin: germline. Not counted in ClinVar's aggregate classification.
Comment: This variant is classified as likely benign based on ACMG/AMP sequence variant interpretation guidelines (Richards et al. 2015 PMID: 25741868, with internal and published modifications).